The following is an entry in ClinVar:

ClinVar aggregate classification (germline): Uncertain significance (1 of 4 stars; one submission).

Conditions:
Emery-Dreifuss muscular dystrophy 5, autosomal dominant (EDMD5). Also called: EMERY-DREIFUSS MUSCULAR DYSTROPHY 5. Identifiers: Orphanet 261, MedGen C2751805, MONDO:0013072, OMIM 612999.

gnomAD v4.1: 1 of 1,614,142 alleles (0.000062%); highest among the groups gnomAD compares: Non-Finnish European, 0.000085%; no homozygotes.

Submission:

Labcorp Genetics (formerly Invitae), Labcorp
Classification: Uncertain significance for Emery-Dreifuss muscular dystrophy 5, autosomal dominant. Last evaluated: 2024-11-01. Review status: criteria provided, single submitter. Criteria: Invitae Variant Classification Sherloc (09022015). Collection method: clinical testing. Allele origin: germline.
Comment: This sequence change replaces glutamic acid, which is acidic and polar, with glutamine, which is neutral and polar, at codon 4356 of the SYNE2 protein (p.Glu4356Gln). This variant is not present in population databases (gnomAD no frequency). This variant has not been reported in the literature in individuals affected with SYNE2-related conditions. An algorithm developed to predict the effect of missense changes on protein structure and function outputs the following: PolyPhen-2: "Benign". The glutamine amino acid residue is found in multiple mammalian species, which suggests that this missense change does not adversely affect protein function. In summary, the available evidence is currently insufficient to determine the role of this variant in disease. Therefore, it has been classified as a Variant of Uncertain Significance.

NM_182914.3(SYNE2):c.13066G>C (p.Glu4356Gln)

Gene: SYNE2 (spectrin repeat containing nuclear envelope protein 2; plus strand). Cytogenetic location: 14q23.2.
Variant type: single nucleotide variant.
Coding change: c.13066G>C on transcript NM_182914.3 (MANE Select); coding-DNA position 13066, G replaced by C.
Protein change: p.Glu4356Gln; replaces glutamic acid 4356 with glutamine.
Molecular consequence: missense variant.
Genome position (GRCh38, 1-based): chr14:64,120,969, G>C. VCF-style: chr14-64120969-G-C. GRCh37 (hg19) VCF-style: chr14-64587687-G-C.
Other names: c.13066G>C, p.Glu4356Gln (NM_015180.6); short protein forms E4356Q.
Identifiers: ClinVar variation 3683738 (VCV003683738.2).